The following is an entry in ClinVar:

ClinVar aggregate classification (germline): Uncertain significance. Review status: criteria provided, multiple submitters, no conflicts (2 of 4 stars). 4 submissions from 4 submitters: Uncertain significance (4). Last evaluated 2024-10-23.

Conditions:
Inborn genetic diseases. Identifiers: MedGen C0950123, MeSH D030342.
Cenani-Lenz syndactyly syndrome. Also called: CENANI SYNDACTYLISM; SYNDACTYLY, TYPE VII. Identifiers: Orphanet 3258, MedGen C1859309, MONDO:0008931, OMIM 212780.
Sclerosteosis 2 (SOST2). Identifiers: Orphanet 3152, MedGen C3280402, MONDO:0013679, OMIM 614305.
Congenital myasthenic syndrome 17. Identifiers: Orphanet 590, MedGen C4225377, MONDO:0014578, OMIM 616304.

Allele frequency attached by ClinVar (database versions not stated): ExAC 0.00003; gnomAD 0.00002 and 0.00003; gnomAD exomes 0.00005 and 0.00006; TOPMed 0.00005.

Submissions (4):

Labcorp Genetics (formerly Invitae), Labcorp
Classification: Uncertain significance for Cenani-Lenz syndactyly syndrome; Sclerosteosis 2; Congenital myasthenic syndrome 17. Last evaluated: 2024-10-23. Review status: criteria provided, single submitter. Criteria: Invitae Variant Classification Sherloc (09022015). Collection method: clinical testing. Allele origin: germline.
Comment: This sequence change replaces arginine, which is basic and polar, with cysteine, which is neutral and slightly polar, at codon 494 of the LRP4 protein (p.Arg494Cys). This variant is present in population databases (rs749530671, gnomAD 0.01%). This variant has not been reported in the literature in individuals affected with LRP4-related conditions. ClinVar contains an entry for this variant (Variation ID: 304887). Invitae Evidence Modeling of protein sequence and biophysical properties (such as structural, functional, and spatial information, amino acid conservation, physicochemical variation, residue mobility, and thermodynamic stability) indicates that this missense variant is not expected to disrupt LRP4 protein function with a negative predictive value of 80%. In summary, the available evidence is currently insufficient to determine the role of this variant in disease. Therefore, it has been classified as a Variant of Uncertain Significance.

Fulgent Genetics
Classification: Uncertain significance for Cenani-Lenz syndactyly syndrome; Sclerosteosis 2; Congenital myasthenic syndrome 17. Last evaluated: 2024-04-24. Review status: criteria provided, single submitter. Criteria: ACMG Guidelines, 2015. Collection method: clinical testing. Allele origin: germline.

Ambry Genetics
Classification: Uncertain significance for Inborn genetic diseases. Last evaluated: 2023-11-13. Review status: criteria provided, single submitter. Criteria: Ambry Variant Classification Scheme 2023. Collection method: clinical testing. Allele origin: germline.

Illumina Laboratory Services, Illumina
Classification: Uncertain significance for Cenani-Lenz syndactyly syndrome. Last evaluated: 2018-01-13. Review status: criteria provided, single submitter. Criteria: ICSL Variant Classification Criteria 13 December 2019. Collection method: clinical testing. Allele origin: germline.

NM_002334.4(LRP4):c.1480C>T (p.Arg494Cys)

Gene: LRP4 (LDL receptor related protein 4; minus strand). Cytogenetic location: 11p11.2.
Variant type: single nucleotide variant.
Coding change: c.1480C>T on transcript NM_002334.4 (MANE Select); coding-DNA position 1480, C replaced by T.
Protein change: p.Arg494Cys; replaces arginine 494 with cysteine.
Molecular consequence: missense variant.
Genome position (GRCh38, 1-based): chr11:46,894,649, G>A on the plus strand (C>T on the coding strand, the complement: LRP4 is on the minus strand). VCF-style: chr11-46894649-G-A. GRCh37 (hg19) VCF-style: chr11-46916200-G-A.
Other names: short protein forms R494C.
Identifiers: ClinVar variation 304887 (VCV000304887.14), dbSNP rs749530671, ClinGen allele CA5970144.